The following is an entry in ClinVar:

NM_199420.4(POLQ):c.6801C>G (p.Ser2267Arg)

Gene: POLQ (DNA polymerase theta; minus strand). Cytogenetic location: 3q13.33.
Variant type: single nucleotide variant.
Coding change: c.6801C>G on transcript NM_199420.4 (MANE Select); coding-DNA position 6801, C replaced by G.
Protein change: p.Ser2267Arg; replaces serine 2267 with arginine.
Molecular consequence: missense variant.
Genome position (GRCh38, 1-based): chr3:121,468,349, G>C on the plus strand (C>G on the coding strand, the complement: POLQ is on the minus strand). VCF-style: chr3-121468349-G-C. GRCh37 (hg19) VCF-style: chr3-121187196-G-C.
Other names: short protein forms S2267R.
Identifiers: ClinVar variation 3308600 (VCV003308600.1).
Genomic context (GRCh38, chr3:121,468,349, plus strand): 5'-GAGAAACAGCACCTACCTGCCCATGGGAAGTAGGCCTTTGCCTACAGCTTGAGAAGGTGG[G>C]CTTTCTCCTACTAGTGTTGGCATTTTGATTTCAAAATCTCTTGGCACATTCTGAATATTT-3'
Protein context (NP_955452.3, residues 2257-2277): EIKMPTLVGE[Ser2267Arg]PPSQAVGKGL

ClinVar aggregate classification (germline): Uncertain significance (1 of 4 stars; one submission).

Submission:

Ambry Genetics
Classification: Uncertain significance. Last evaluated: 2024-03-21. Review status: criteria provided, single submitter. Criteria: Ambry Variant Classification Scheme 2023. Collection method: clinical testing. Allele origin: germline.
Comment: The p.S2267R variant (also known as c.6801C>G), located in coding exon 23 of the POLQ gene, results from a C to G substitution at nucleotide position 6801. The serine at codon 2267 is replaced by arginine, an amino acid with dissimilar properties. This amino acid position is conserved. In addition, this alteration is predicted to be tolerated by in silico analysis. Based on the available evidence, the clinical significance of this alteration remains unclear.